The following is an entry in ClinVar:

NM_001083961.2(WDR62):c.2254A>G (p.Met752Val)

Gene: WDR62 (WD repeat domain 62; plus strand). Cytogenetic location: 19q13.12.
Variant type: single nucleotide variant.
Coding change: c.2254A>G on transcript NM_001083961.2 (MANE Select); coding-DNA position 2254, A replaced by G.
Protein change: p.Met752Val; replaces methionine 752 with valine.
Molecular consequence: missense variant.
Genome position (GRCh38, 1-based): chr19:36,092,732, A>G. VCF-style: chr19-36092732-A-G. GRCh37 (hg19) VCF-style: chr19-36583634-A-G.
Other names: c.2254A>G, p.Met752Val (NM_173636.5); short protein forms M752V.
Identifiers: ClinVar variation 1503629 (VCV001503629.8), dbSNP rs748567793, ClinGen allele CA9395882.
Genomic context (GRCh38, chr19:36,092,732, plus strand): 5'-CTCTTTGACCTCCGCAGCTGCGTGTTCATCTGGCACCTGGGCCCGGAGATCACCAACTGC[A>G]TGAAGCAGCACTTGCTGGAGATTGACCACCGGCAGCAGCAGCAGCACACAAATGACAAGA-3'
Protein context (NP_001077430.1, residues 742-762): WHLGPEITNC[Met752Val]KQHLLEIDHR

ClinVar aggregate classification (germline): Uncertain significance (1 of 4 stars; one submission).

Allele frequency attached by ClinVar (database versions not stated): ExAC 0.00001; gnomAD exomes 0.00001.
gnomAD v4.1: 11 of 1,614,194 alleles (0.00068%); highest among the groups gnomAD compares: Middle Eastern, 0.033%; no homozygotes.

Submission:

Labcorp Genetics (formerly Invitae), Labcorp
Classification: Uncertain significance. Last evaluated: 2025-01-27. Review status: criteria provided, single submitter. Criteria: Invitae Variant Classification Sherloc (09022015). Collection method: clinical testing. Allele origin: germline.
Comment: This sequence change replaces methionine, which is neutral and non-polar, with valine, which is neutral and non-polar, at codon 752 of the WDR62 protein (p.Met752Val). This variant is present in population databases (rs748567793, gnomAD 0.003%). This variant has not been reported in the literature in individuals affected with WDR62-related conditions. ClinVar contains an entry for this variant (Variation ID: 1503629). Invitae Evidence Modeling of protein sequence and biophysical properties (such as structural, functional, and spatial information, amino acid conservation, physicochemical variation, residue mobility, and thermodynamic stability) indicates that this missense variant is expected to disrupt WDR62 protein function with a positive predictive value of 80%. In summary, the available evidence is currently insufficient to determine the role of this variant in disease. Therefore, it has been classified as a Variant of Uncertain Significance.